The following is an entry in ClinVar:

ClinVar aggregate classification (germline): Uncertain significance (1 of 4 stars; one submission).

Allele frequency attached by ClinVar (database versions not stated): ExAC 0.00002; gnomAD 0.00002; TOPMed 0.00002; gnomAD exomes 0.00003; ESP Exome Variant Server 0.00015.

Submission:

Labcorp Genetics (formerly Invitae), Labcorp
Classification: Uncertain significance. Last evaluated: 2024-01-19. Review status: criteria provided, single submitter. Criteria: Invitae Variant Classification Sherloc (09022015). Collection method: clinical testing. Allele origin: germline.
Comment: This sequence change replaces arginine, which is basic and polar, with histidine, which is basic and polar, at codon 290 of the FCHO1 protein (p.Arg290His). This variant is present in population databases (rs141405200, gnomAD 0.002%). This variant has not been reported in the literature in individuals affected with FCHO1-related conditions. An algorithm developed to predict the effect of missense changes on protein structure and function (PolyPhen-2) suggests that this variant is likely to be disruptive. In summary, the available evidence is currently insufficient to determine the role of this variant in disease. Therefore, it has been classified as a Variant of Uncertain Significance.

NM_015122.3(FCHO1):c.869G>A (p.Arg290His)

Gene: FCHO1 (FCH and mu domain containing endocytic adaptor 1; plus strand). Cytogenetic location: 19p13.11.
Variant type: single nucleotide variant.
Coding change: c.869G>A on transcript NM_015122.3 (MANE Select); coding-DNA position 869, G replaced by A.
Protein change: p.Arg290His; replaces arginine 290 with histidine.
Molecular consequence: missense variant. On other transcripts: non-coding transcript variant (36).
Genome position (GRCh38, 1-based): chr19:17,774,427, G>A. VCF-style: chr19-17774427-G-A. GRCh37 (hg19) VCF-style: chr19-17885236-G-A.
Other names: c.869G>A, p.Arg290His (NM_001161357.2, NM_001161358.2, NM_001384370.1 and 25 more transcripts); c.719G>A, p.Arg240His (NM_001161359.2, NM_001384384.1, NM_001384385.1 and 3 more transcripts); c.830G>A, p.Arg277His (NM_001384388.1, NM_001384389.1, NM_001384405.1); c.794G>A, p.Arg265His (NM_001384390.1); c.824G>A, p.Arg275His (NM_001384403.1); short protein forms R240H, R265H, R277H, R290H, R275H.
Identifiers: ClinVar variation 2729942 (VCV002729942.1), dbSNP rs141405200, ClinGen allele CA9300277.